The following continues an entry in ClinVar:

NM_000104.4(CYP1B1):c.1103G>A (p.Arg368His)

Gene: CYP1B1. ClinVar aggregate classification (germline): Uncertain significance. Uncertain significance (1).

Submissions 29 to 31 of 31:

Department of Genetics, Sultan Qaboos University Hospital
Classification: Likely pathogenic for Glaucoma 3A. Last evaluated: 2024-06-12. Review status: no assertion criteria provided. Collection method: curation. Allele origin: unknown. Affected: yes. Not counted in ClinVar's aggregate classification.

OMIM
Classification: Uncertain significance for RECLASSIFIED - VARIANT OF UNKNOWN SIGNIFICANCE. Last evaluated: 2015-03-05. Review status: no assertion criteria provided. Collection method: literature only. Allele origin: germline. Not counted in ClinVar's aggregate classification.

Eye Genetics Research Group, Children's Medical Research Institute
Classification: Uncertain significance for Coloboma. Last evaluated: 2012-03-30. Review status: no assertion criteria provided. Collection method: research. Allele origin: maternal. Affected: yes. Not counted in ClinVar's aggregate classification.

Literature cited by the submitters: PubMed 27243976 (cited by 3 submitters); PubMed 18622259 (cited by 5 submitters); PubMed 10655546 (cited by 7 submitters); PubMed 30788381 (cited by Women's Health and Genetics/Laboratory Corporation of America, LabCorp); PubMed 23028769 (cited by 5 submitters); PubMed 19643970 (cited by 7 submitters); PubMed 30653986 (cited by Women's Health and Genetics/Laboratory Corporation of America, LabCorp); PubMed 19536304 (cited by Women's Health and Genetics/Laboratory Corporation of America, LabCorp and Illumina Laboratory Services, Illumina); PubMed 29556725 (cited by 3 submitters); PubMed 38219857 (cited by Women's Health and Genetics/Laboratory Corporation of America, LabCorp); PubMed 36239105 (cited by Women's Health and Genetics/Laboratory Corporation of America, LabCorp); PubMed 11980847 (cited by Labcorp Genetics (formerly Invitae), Labcorp and Illumina Laboratory Services, Illumina); PubMed 15037581 (cited by Labcorp Genetics (formerly Invitae), Labcorp); PubMed 19744731 (cited by Labcorp Genetics (formerly Invitae), Labcorp and Illumina Laboratory Services, Illumina); PubMed 30108387 (cited by Labcorp Genetics (formerly Invitae), Labcorp); PubMed 17591938 (cited by 4 submitters); PubMed 18852424 (cited by Victorian Clinical Genetics Services, Murdoch Childrens Research Institute); PubMed 25580891 (cited by Victorian Clinical Genetics Services, Murdoch Childrens Research Institute); PubMed 26997785 (cited by Victorian Clinical Genetics Services, Murdoch Childrens Research Institute); PubMed 29142762 (cited by Victorian Clinical Genetics Services, Murdoch Childrens Research Institute); PubMed 32510024 (cited by Victorian Clinical Genetics Services, Murdoch Childrens Research Institute); PubMed 16688110 (cited by Illumina Laboratory Services, Illumina); PubMed 16735994 (cited by Illumina Laboratory Services, Illumina); PubMed 17718864 (cited by Illumina Laboratory Services, Illumina and Laboratory for Molecular Medicine, Mass General Brigham Personalized Medicine); PubMed 17563717 (cited by Illumina Laboratory Services, Illumina); PubMed 21081970 (cited by Illumina Laboratory Services, Illumina and OMIM); PubMed 24281366 (cited by Illumina Laboratory Services, Illumina and Eye Genetics Research Group, Children's Medical Research Institute); PubMed 11774072 (cited by Illumina Laboratory Services, Illumina and OMIM); PubMed 14507861 (cited by Illumina Laboratory Services, Illumina and Laboratory for Molecular Medicine, Mass General Brigham Personalized Medicine); PubMed 16735991 (cited by Illumina Laboratory Services, Illumina); PubMed 28384041 (cited by Laboratory for Molecular Medicine, Mass General Brigham Personalized Medicine); PubMed 27508083 (cited by Laboratory for Molecular Medicine, Mass General Brigham Personalized Medicine); PubMed 25978063 (cited by Laboratory for Molecular Medicine, Mass General Brigham Personalized Medicine); PubMed 28620713 (cited by Laboratory for Molecular Medicine, Mass General Brigham Personalized Medicine); PubMed 27408750 (cited by Laboratory for Molecular Medicine, Mass General Brigham Personalized Medicine); PubMed 21168818 (cited by Laboratory for Molecular Medicine, Mass General Brigham Personalized Medicine); PubMed 19236111 (cited by Broad Center for Mendelian Genomics, Broad Institute of MIT and Harvard); PubMed 25333069 (cited by Broad Center for Mendelian Genomics, Broad Institute of MIT and Harvard); PubMed 19793111 (cited by Broad Center for Mendelian Genomics, Broad Institute of MIT and Harvard); PubMed 25091052 (cited by Broad Center for Mendelian Genomics, Broad Institute of MIT and Harvard); PubMed 24123366 (cited by Broad Center for Mendelian Genomics, Broad Institute of MIT and Harvard); PubMed 19204079 (cited by Broad Center for Mendelian Genomics, Broad Institute of MIT and Harvard); PubMed 42456143 (cited by OMIM); PubMed 27535533 (cited by OMIM).